The following is an entry in ClinVar:

ClinVar aggregate classification (germline): Likely benign. Review status: criteria provided, multiple submitters, no conflicts (2 of 4 stars). 2 submissions from 2 submitters: Likely benign (2). Last evaluated 2026-01-26.

Conditions:
VPS13B-related disorder. Also called: VPS13B-related condition.
Cohen syndrome (COH1). Also called: Cutis verticis gyrata, retinitis pigmentosa, and sensorineural deafness; PEPPER SYNDROME. Identifiers: Orphanet 193, MedGen C0265223, MONDO:0008999, OMIM 216550.

Allele frequency attached by ClinVar (database versions not stated): gnomAD 0.00001; gnomAD exomes 0.00001; ExAC 0.00002.
gnomAD v4.1: 6 of 1,614,098 alleles (0.00037%); highest among the groups gnomAD compares: Non-Finnish European, 0.00042%; no homozygotes.

Submissions (2):

Labcorp Genetics (formerly Invitae), Labcorp
Classification: Likely benign for Cohen syndrome. Last evaluated: 2026-01-26. Review status: criteria provided, single submitter. Criteria: Invitae Variant Classification Sherloc (09022015). Collection method: clinical testing. Allele origin: germline.

PreventionGenetics, part of Exact Sciences
Classification: Likely benign for VPS13B-related condition. Last evaluated: 2025-09-29. Review status: criteria provided, single submitter. Criteria: ACMG Guidelines, 2015. Collection method: clinical testing. Allele origin: germline.
Comment: This variant is classified as likely benign based on ACMG/AMP sequence variant interpretation guidelines (Richards et al. 2015 PMID: 25741868, with internal and published modifications).

NM_152564.5(VPS13B):c.11457T>C (p.His3819=)

Gene: VPS13B (vacuolar protein sorting 13 homolog B; plus strand). Cytogenetic location: 8q22.2.
Variant type: single nucleotide variant.
Coding change: c.11457T>C on transcript NM_152564.5 (MANE Select); coding-DNA position 11457, T replaced by C.
Protein change: p.His3819=; no amino-acid change (histidine 3819 retained).
Molecular consequence: synonymous variant.
Genome position (GRCh38, 1-based): chr8:99,870,849, T>C. VCF-style: chr8-99870849-T-C. GRCh37 (hg19) VCF-style: chr8-100883077-T-C.
Other names: c.11532T>C, p.His3844= (NM_017890.5); c.11457T>C (NM_152564.4).
Identifiers: ClinVar variation 1096102 (VCV001096102.10), dbSNP rs763130797, ClinGen allele CA4825243.